The following is an entry in ClinVar:

NM_002087.4(GRN):c.902C>T (p.Ser301Leu)

Gene: GRN (granulin precursor; plus strand). Cytogenetic location: 17q21.31.
Variant type: single nucleotide variant.
Coding change: c.902C>T on transcript NM_002087.4 (MANE Select); coding-DNA position 902, C replaced by T.
Protein change: p.Ser301Leu; replaces serine 301 with leucine.
Molecular consequence: missense variant.
Genome position (GRCh38, 1-based): chr17:44,351,429, C>T. VCF-style: chr17-44351429-C-T. GRCh37 (hg19) VCF-style: chr17-42428797-C-T.
Other names: short protein forms S301L.
Identifiers: ClinVar variation 1487511 (VCV001487511.6), dbSNP rs1026683055, ClinGen allele CA290926295.

ClinVar aggregate classification (germline): Uncertain significance (1 of 4 stars; one submission).

Conditions:
GRN-related frontotemporal lobar degeneration with Tdp43 inclusions (FTD2). Also called: DEMENTIA, HEREDITARY DYSPHASIC DISINHIBITION; FRONTOTEMPORAL LOBAR DEGENERATION WITH UBIQUITIN-POSITIVE INCLUSIONS; FTLD-TDP, GRN-RELATED; GRN Frontotemporal Dementia; FRONTOTEMPORAL DEMENTIA WITH TDP43 INCLUSIONS, GRN-RELATED. Identifiers: Orphanet 100070, Orphanet 282, MedGen C1843792, MONDO:0011842, OMIM 607485. Disease mechanism: loss of function.
Neuronal ceroid lipofuscinosis 11. Also called: GRN-Related Neuronal Ceroid-Lipofuscinosis. Identifiers: Orphanet 314629, Orphanet 79262, MedGen C3539123, MONDO:0013866, OMIM 614706.

Allele frequency attached by ClinVar (database versions not stated): gnomAD 0.00001 and 0.00002; gnomAD exomes 0.00002; TOPMed 0.00002.
gnomAD v4.1: 28 of 1,354,590 alleles (0.0021%); highest among the groups gnomAD compares: African/African-American, 0.003%; no homozygotes.

Submission:

Labcorp Genetics (formerly Invitae), Labcorp
Classification: Uncertain significance for Neuronal ceroid lipofuscinosis 11; GRN-related frontotemporal lobar degeneration with Tdp43 inclusions. Last evaluated: 2025-11-06. Review status: criteria provided, single submitter. Criteria: Invitae Variant Classification Sherloc (09022015). Collection method: clinical testing. Allele origin: germline.
Comment: This sequence change replaces serine, which is neutral and polar, with leucine, which is neutral and non-polar, at codon 301 of the GRN protein (p.Ser301Leu). This variant is present in population databases (no rsID available, gnomAD 0.004%). This missense change has been observed in individual(s) with clinical features of frontotemporal dementia (PMID: 33601107, 36641371). ClinVar contains an entry for this variant (Variation ID: 1487511). Invitae Evidence Modeling of protein sequence and biophysical properties (such as structural, functional, and spatial information, amino acid conservation, physicochemical variation, residue mobility, and thermodynamic stability) indicates that this missense variant is expected to disrupt GRN protein function with a positive predictive value of 80%. In summary, the available evidence is currently insufficient to determine the role of this variant in disease. Therefore, it has been classified as a Variant of Uncertain Significance.

Literature cited by the submitters: PubMed 33601107; PubMed 36641371.